The following is an entry in ClinVar:

NM_001197104.2(KMT2A):c.8837G>A (p.Ser2946Asn)

Gene: KMT2A (lysine methyltransferase 2A; plus strand). Cytogenetic location: 11q23.3.
Variant type: single nucleotide variant.
Coding change: c.8837G>A on transcript NM_001197104.2 (MANE Select); coding-DNA position 8837, G replaced by A.
Protein change: p.Ser2946Asn; replaces serine 2946 with asparagine.
Molecular consequence: missense variant.
Genome position (GRCh38, 1-based): chr11:118,504,729, G>A. VCF-style: chr11-118504729-G-A. GRCh37 (hg19) VCF-style: chr11-118375444-G-A.
Other names: c.8927G>A, p.Ser2976Asn (NM_001412597.1); c.8828G>A, p.Ser2943Asn (NM_005933.4); short protein forms S2943N, S2946N, S2976N.
Identifiers: ClinVar variation 4800567 (VCV004800567.1).
Genomic context (GRCh38, chr11:118,504,729, plus strand): 5'-TGCCTCTAGAGCTACCATCTGATCTGTCTGTCTTGACCACCCGGAGTCCCACTGTCCCCA[G>A]CCAGAATCCCAGTAGACTAGCTGTTATCTCAGACTCAGGGGAGAAGAGAGTAACCATCAC-3'
Protein context (NP_001184033.1, residues 2936-2956): VLTTRSPTVP[Ser2946Asn]QNPSRLAVIS

ClinVar aggregate classification (germline): Uncertain significance (1 of 4 stars; one submission).

Submission:

Labcorp Genetics (formerly Invitae), Labcorp
Classification: Uncertain significance. Last evaluated: 2025-12-18. Review status: criteria provided, single submitter. Criteria: Invitae Variant Classification Sherloc (09022015). Collection method: clinical testing. Allele origin: germline.
Comment: This sequence change replaces serine, which is neutral and polar, with asparagine, which is neutral and polar, at codon 2946 of the KMT2A protein (p.Ser2946Asn). This variant is not present in population databases (gnomAD no frequency). This variant has not been reported in the literature in individuals affected with KMT2A-related conditions. Invitae Evidence Modeling of protein sequence and biophysical properties (such as structural, functional, and spatial information, amino acid conservation, physicochemical variation, residue mobility, and thermodynamic stability) indicates that this missense variant is not expected to disrupt KMT2A protein function with a negative predictive value of 95%. In summary, the available evidence is currently insufficient to determine the role of this variant in disease. Therefore, it has been classified as a Variant of Uncertain Significance.